The following is an entry in ClinVar:

ClinVar aggregate classification (germline): Uncertain significance. Review status: criteria provided, multiple submitters, no conflicts (2 of 4 stars). 3 submissions from 3 submitters: Uncertain significance (3). Last evaluated 2025-08-20.

Conditions:
Inborn genetic diseases. Identifiers: MedGen C0950123, MeSH D030342.

Allele frequency attached by ClinVar (database versions not stated): gnomAD exomes below 0.00001.
gnomAD v4.1: 4 of 1,613,996 alleles (0.00025%); highest among the groups gnomAD compares: Non-Finnish European, 0.00034%; no homozygotes.

Submissions (3):

Ambry Genetics
Classification: Uncertain significance for Inborn genetic diseases. Last evaluated: 2025-08-20. Review status: criteria provided, single submitter. Criteria: Ambry Variant Classification Scheme 2023. Collection method: clinical testing. Allele origin: germline.

Labcorp Genetics (formerly Invitae), Labcorp
Classification: Uncertain significance. Last evaluated: 2022-03-27. Review status: criteria provided, single submitter. Criteria: Invitae Variant Classification Sherloc (09022015). Collection method: clinical testing. Allele origin: germline.
Comment: This sequence change replaces arginine, which is basic and polar, with glutamine, which is neutral and polar, at codon 1071 of the ITPR1 protein (p.Arg1071Gln). This variant is not present in population databases (gnomAD no frequency). In summary, the available evidence is currently insufficient to determine the role of this variant in disease. Therefore, it has been classified as a Variant of Uncertain Significance. Algorithms developed to predict the effect of missense changes on protein structure and function are either unavailable or do not agree on the potential impact of this missense change (SIFT: "Deleterious"; PolyPhen-2: "Possibly Damaging"; Align-GVGD: "Class C0"). ClinVar contains an entry for this variant (Variation ID: 1313644). This variant has not been reported in the literature in individuals affected with ITPR1-related conditions.

GeneDx
Classification: Uncertain significance. Last evaluated: 2020-11-17. Review status: criteria provided, single submitter. Criteria: GeneDx Variant Classification Process June 2021. Collection method: clinical testing. Allele origin: germline. Affected: yes.
Comment: Has not been previously published as pathogenic or benign to our knowledge; Not observed in large population cohorts (Lek et al., 2016); In silico analysis supports that this missense variant has a deleterious effect on protein structure/function

NM_001378452.1(ITPR1):c.3284G>A (p.Arg1095Gln)

Gene: ITPR1 (inositol 1,4,5-trisphosphate receptor type 1; plus strand). Cytogenetic location: 3p26.1.
Variant type: single nucleotide variant.
Coding change: c.3284G>A on transcript NM_001378452.1 (MANE Select); coding-DNA position 3284, G replaced by A.
Protein change: p.Arg1095Gln; replaces arginine 1095 with glutamine.
Molecular consequence: missense variant.
Genome position (GRCh38, 1-based): chr3:4,683,508, G>A. VCF-style: chr3-4683508-G-A. GRCh37 (hg19) VCF-style: chr3-4725192-G-A.
Other names: c.3257G>A, p.Arg1086Gln (NM_001099952.4); c.3239G>A, p.Arg1080Gln (NM_001168272.2); c.3212G>A, p.Arg1071Gln (NM_002222.7); short protein forms R1071Q, R1080Q, R1086Q, R1095Q.
Identifiers: ClinVar variation 1313644 (VCV001313644.7), dbSNP rs2125232715, ClinGen allele CA351650752.